The following is an entry in ClinVar:

ClinVar aggregate classification (germline): Uncertain significance. Review status: criteria provided, multiple submitters, no conflicts (2 of 4 stars). 2 submissions from 2 submitters: Uncertain significance (2). Last evaluated 2023-06-22.

Conditions:
Catecholaminergic polymorphic ventricular tachycardia (CVPT). Also called: Catecholamine-induced polymorphic ventricular tachycardia. Identifiers: Orphanet 3286, MedGen C5574922, MONDO:0017990.

Submissions (2):

Revvity Omics, Revvity
Classification: Uncertain significance. Last evaluated: 2023-06-22. Review status: criteria provided, single submitter. Criteria: ACMG Guidelines, 2015. Collection method: clinical testing. Allele origin: germline.

All of Us Research Program, National Institutes of Health
Classification: Uncertain significance for Catecholaminergic polymorphic ventricular tachycardia. Last evaluated: 2023-04-27. Review status: criteria provided, single submitter. Criteria: ACMG Guidelines, 2015. Collection method: clinical testing. Allele origin: germline. Inheritance: Autosomal dominant inheritance. Observed: 1 variant allele, 1 heterozygote.
Comment: This study involves interpretation of variants in research participants for the purpose of population health screening. Participant phenotype was not available at the time of variant classification. Additional details can be found in publication PMID: 35346344, PMCID: PMC8962531

NM_001035.3(RYR2):c.14178G>A (p.Met4726Ile)

Gene: RYR2 (ryanodine receptor 2; plus strand). Cytogenetic location: 1q43.
Variant type: single nucleotide variant.
Coding change: c.14178G>A on transcript NM_001035.3 (MANE Select); coding-DNA position 14178, G replaced by A.
Protein change: p.Met4726Ile; replaces methionine 4726 with isoleucine.
Molecular consequence: missense variant.
Genome position (GRCh38, 1-based): chr1:237,806,163, G>A. VCF-style: chr1-237806163-G-A. GRCh37 (hg19) VCF-style: chr1-237969463-G-A.
Other names: short protein forms M4726I.
Identifiers: ClinVar variation 2689903 (VCV002689903.3), dbSNP rs2528137055, ClinGen allele CA345422710.